The following is an entry in ClinVar:

ClinVar aggregate classification (germline): Conflicting classifications of pathogenicity. Review status: criteria provided, conflicting classifications (1 of 4 stars). 2 submissions from 2 submitters: Uncertain significance (1); Likely benign (1). Last evaluated 2025-03-30.

Conditions:
Kabuki syndrome. Also called: Kabuki make-up syndrome; NIIKAWA-KUROKI SYNDROME. Identifiers: Orphanet 2322, MedGen C0796004, MONDO:0016512.

Submissions (2):

Labcorp Genetics (formerly Invitae), Labcorp
Classification: Uncertain significance for Kabuki syndrome. Last evaluated: 2025-03-30. Review status: criteria provided, single submitter. Criteria: Invitae Variant Classification Sherloc (09022015). Collection method: clinical testing. Allele origin: germline.
Comment: This variant, c.11802_11804del, results in the deletion of 1 amino acid(s) of the KMT2D protein (p.Gln3939del), but otherwise preserves the integrity of the reading frame. The frequency data for this variant in the population databases is considered unreliable, as metrics indicate poor data quality at this position in the gnomAD database. This variant has not been reported in the literature in individuals affected with KMT2D-related conditions. This variant has been observed in at least one individual who was not affected with KMT2D-related conditions (internal data). Experimental studies and prediction algorithms are not available or were not evaluated, and the functional significance of this variant is currently unknown. In summary, the available evidence is currently insufficient to determine the role of this variant in disease. Therefore, it has been classified as a Variant of Uncertain Significance.

Blueprint Genetics
Classification: Likely benign. Last evaluated: 2022-07-18. Review status: criteria provided, single submitter. Criteria: ACMG Guidelines, 2015. Collection method: clinical testing. Allele origin: germline.

NM_003482.4(KMT2D):c.11799GCA[1] (p.Gln3939del)

Gene: KMT2D (lysine methyltransferase 2D; minus strand). Cytogenetic location: 12q13.12.
Variant type: Microsatellite.
Coding change: c.11799GCA[1] on transcript NM_003482.4 (MANE Select); one copy of the 3-base unit GCA starting at c.11799; the reference has two copies in a row; one copy, 3 bases deleted.
Protein change: p.Gln3939del; deletes glutamine 3939.
Molecular consequence: inframe deletion.
Genome position (GRCh38, 1-based): chr12:49,032,901-49,032,903, TGC deleted on the plus strand (GCA on the coding strand, the reverse complement: KMT2D is on the minus strand); deleting any 3 consecutive bases within chr12:49,032,901-49,032,908 gives the same sequence; the position shown is the placement nearest the transcript's 3' end. VCF-style (leftmost placement, unchanged base first): chr12-49032900-TTGC-T. GRCh37 (hg19) VCF-style: chr12-49426683-TTGC-T.
Other names: short protein forms Q3939del.
Identifiers: ClinVar variation 1351223 (VCV001351223.7), dbSNP rs761075602, ClinGen allele CA6546294.